The following is an entry in ClinVar:

ClinVar aggregate classification (germline): Uncertain significance (1 of 4 stars; one submission).

Conditions:
Alstrom syndrome (ALMS). Identifiers: Orphanet 64, MedGen C0268425, MONDO:0008763, OMIM 203800.

Submission:

Labcorp Genetics (formerly Invitae), Labcorp
Classification: Uncertain significance for Alstrom syndrome. Last evaluated: 2022-03-17. Review status: criteria provided, single submitter. Criteria: Invitae Variant Classification Sherloc (09022015). Collection method: clinical testing. Allele origin: germline.
Comment: This variant, c.63_64insAAGGAG, results in the insertion of 2 amino acid(s) of the ALMS1 protein (p.Glu21_Glu22insLysGlu), but otherwise preserves the integrity of the reading frame. This variant is not present in population databases (gnomAD no frequency). This variant has not been reported in the literature in individuals affected with ALMS1-related conditions. Experimental studies and prediction algorithms are not available or were not evaluated, and the functional significance of this variant is currently unknown. In summary, the available evidence is currently insufficient to determine the role of this variant in disease. Therefore, it has been classified as a Variant of Uncertain Significance.

NM_001378454.1(ALMS1):c.60_61insAAGGAG (p.Glu20_Glu21insLysGlu)

Gene: ALMS1 (ALMS1 centrosome and basal body associated protein; plus strand). Cytogenetic location: 2p13.1.
Variant type: Insertion.
Coding change: c.60_61insAAGGAG on transcript NM_001378454.1 (MANE Select); coding-DNA positions 60 to 61, AAGGAG inserted.
Protein change: p.Glu20_Glu21insLysGlu.
Molecular consequence: inframe insertion.
Genome position: GRCh38 VCF-style: chr2-73385923-G-GAGGAGA. GRCh37 (hg19) VCF-style: chr2-73613051-G-GAGGAGA.
Other names: c.63_64insAAGGAG, p.Glu21_Glu22insLysGlu (NM_015120.4).
Identifiers: ClinVar variation 1407656 (VCV001407656.3), dbSNP rs2104057268, ClinGen allele CA2573135737.